The following is an entry in ClinVar:

ClinVar aggregate classification (germline): Pathogenic (1 of 4 stars; one submission).

Allele frequency attached by ClinVar (database versions not stated): gnomAD exomes below 0.00001; TOPMed below 0.00001.

Submission:

Labcorp Genetics (formerly Invitae), Labcorp
Classification: Pathogenic. Last evaluated: 2023-05-01. Review status: criteria provided, single submitter. Criteria: Invitae Variant Classification Sherloc (09022015). Collection method: clinical testing. Allele origin: germline.
Comment: For these reasons, this variant has been classified as Pathogenic. This variant has not been reported in the literature in individuals affected with CTSK-related conditions. This variant is not present in population databases (gnomAD no frequency). This sequence change creates a premature translational stop signal (p.Arg46Serfs*16) in the CTSK gene. It is expected to result in an absent or disrupted protein product. Loss-of-function variants in CTSK are known to be pathogenic (PMID: 12125807, 21569238).

Literature cited by the submitters: PubMed 12125807; PubMed 21569238.

NM_000396.4(CTSK):c.135dup (p.Arg46fs)

Gene: CTSK (cathepsin K; minus strand). Cytogenetic location: 1q21.3.
Variant type: Duplication.
Coding change: c.135dup on transcript NM_000396.4 (MANE Select); coding-DNA position 135, one base duplicated (T; older notation c.135dupT).
Protein change: p.Arg46fs; shifts the reading frame from arginine 46.
Molecular consequence: frameshift variant.
Genome position (GRCh38, 1-based): chr1:150,806,210, A duplicated on the plus strand (T on the coding strand, the reverse complement: CTSK is on the minus strand). VCF-style (leftmost placement, unchanged base first): chr1-150806209-G-GA. GRCh37 (hg19) VCF-style: chr1-150778685-G-GA.
Other names: short protein forms R46fs.
Identifiers: ClinVar variation 2881118 (VCV002881118.3), dbSNP rs1654090648, ClinGen allele CA2479315025.
Genomic context (GRCh38, chr1:150,806,209, plus strand): 5'-GAGAAGCCTCAAGGTTATGGATGGAAATATACTTCAGGTTTTTTTCCCAAATTAAACGCC[G>GA]AGAGATTTCATCCACCTAAACAAAGCATAGTCAGTACTTGTATAGACTGTCTACAGTTAC-3'